The following is an entry in ClinVar:

NC_012920.1(MT-ND1):m.3349A>G

Gene: MT-ND1 (mitochondrially encoded NADH dehydrogenase 1; plus strand).
Variant type: single nucleotide variant.
Genome position: chrM-3349-A-G.
Identifiers: ClinVar variation 692341 (VCV000692341.1), dbSNP rs879193727, ClinGen allele CA337096513.

ClinVar aggregate classification (germline): Benign (1 of 4 stars; one submission).

Conditions:
Leigh syndrome (NULS). Also called: Leigh's necrotizing encephalopathy; Leigh's disease; Leigh Syndrome (mtDNA deletion); Leigh Disease; Subacute necrotizing encephalopathy; Necrotizing encephalopathy infantile subacute of Leigh. Identifiers: Orphanet 506, MedGen C2931891, MONDO:0009723, OMIM 256000.

Submission:

Wong Mito Lab, Molecular and Human Genetics, Baylor College of Medicine
Classification: Benign for Leigh syndrome. Last evaluated: 2019-10-17. Review status: criteria provided, single submitter. Criteria: Modified ACMG Guidelines (Unpublished). Collection method: clinical testing. Allele origin: germline.
Comment: The NC_012920.1:m.3349A>G (YP_003024026.1:p.Ile15Val) variant in MTND1 gene is interpretated to be a Benign variant based on the modified ACMG guidelines (unpublished). This variant meets the following evidence codes: BS1, BS4, BP4